The following is an entry in ClinVar:

ClinVar aggregate classification (germline): Uncertain significance. Review status: criteria provided, multiple submitters, no conflicts (2 of 4 stars). 2 submissions from 2 submitters: Uncertain significance (2). Last evaluated 2025-03-06.

Conditions:
Inborn genetic diseases. Identifiers: MedGen C0950123, MeSH D030342.
Deafness-lymphedema-leukemia syndrome. Also called: Emberger syndrome; Lymphedema, primary, with myelodysplasia. Identifiers: Orphanet 3226, MedGen C3279664, MONDO:0013540, OMIM 614038.
Monocytopenia with susceptibility to infections. Also called: MONOCYTOPENIA AND MYCOBACTERIAL INFECTION SYNDROME; MONOCYTOPENIA WITH SUSCEPTIBILITY TO MYCOBACTERIAL, FUNGAL, AND PAPILLOMAVIRUS INFECTIONS AND MYELODYSPLASIA; COMBINED IMMUNODEFICIENCY WITH SUSCEPTIBILITY TO MYCOBACTERIAL, VIRAL, AND FUNGAL INFECTIONS; Dendritic cell, monocyte, B lymphocyte, and natural killer lymphocyte deficiency; IMMUNODEFICIENCY 21; GATA2 DEFICIENCY. Identifiers: Orphanet 228423, MedGen C3280030, MONDO:0013607, OMIM 614172.

Allele frequency attached by ClinVar (database versions not stated): gnomAD exomes 0.00001.
gnomAD v4.1: 3 of 1,613,006 alleles (0.00019%); highest among the groups gnomAD compares: Admixed American, 0.005%; no homozygotes.

Submissions (2):

Ambry Genetics
Classification: Uncertain significance for Inborn genetic diseases. Last evaluated: 2025-03-06. Review status: criteria provided, single submitter. Criteria: Ambry Variant Classification Scheme 2023. Collection method: clinical testing. Allele origin: germline.
Comment: The p.H31L variant (also known as c.92A>T), located in coding exon 1 of the GATA2 gene, results from an A to T substitution at nucleotide position 92. The histidine at codon 31 is replaced by leucine, an amino acid with similar properties. This amino acid position is conserved. In addition, this alteration is predicted to be deleterious by in silico analysis. Based on the available evidence, the clinical significance of this variant remains unclear.

Labcorp Genetics (formerly Invitae), Labcorp
Classification: Uncertain significance for Monocytopenia with susceptibility to infections; Deafness-lymphedema-leukemia syndrome. Last evaluated: 2022-02-11. Review status: criteria provided, single submitter. Criteria: Invitae Variant Classification Sherloc (09022015). Collection method: clinical testing. Allele origin: germline.
Comment: In summary, the available evidence is currently insufficient to determine the role of this variant in disease. Therefore, it has been classified as a Variant of Uncertain Significance. Algorithms developed to predict the effect of missense changes on protein structure and function are either unavailable or do not agree on the potential impact of this missense change (SIFT: "Tolerated"; PolyPhen-2: "Possibly Damaging"; Align-GVGD: "Class C0"). ClinVar contains an entry for this variant (Variation ID: 1056764). This variant has not been reported in the literature in individuals affected with GATA2-related conditions. This variant is present in population databases (no rsID available, gnomAD 0.006%). This sequence change replaces histidine, which is basic and polar, with leucine, which is neutral and non-polar, at codon 31 of the GATA2 protein (p.His31Leu).

NM_032638.5(GATA2):c.92A>T (p.His31Leu)

Gene: GATA2 (GATA binding protein 2; minus strand). Cytogenetic location: 3q21.3.
Variant type: single nucleotide variant.
Coding change: c.92A>T on transcript NM_032638.5 (MANE Select); coding-DNA position 92, A replaced by T.
Protein change: p.His31Leu; replaces histidine 31 with leucine.
Molecular consequence: missense variant.
Genome position (GRCh38, 1-based): chr3:128,486,940, T>A on the plus strand (A>T on the coding strand, the complement: GATA2 is on the minus strand). VCF-style: chr3-128486940-T-A. GRCh37 (hg19) VCF-style: chr3-128205783-T-A.
Other names: c.92A>T, p.His31Leu (NM_001145661.2, NM_001145662.1); c.92A>T (NM_032638.4); short protein forms H31L.
Identifiers: ClinVar variation 1056764 (VCV001056764.10), dbSNP rs1225259829, ClinGen allele CA354408930.
Genomic context (GRCh38, chr3:128,486,940, plus strand): 5'-TGATTGAAGAAGACGTCCACCTCGTCTGGAGGCAGCAGCTGCGCGGGTTCCATGTAGTTG[T>A]GCGCCAGGCCCGGGTGGTGTGAGTCGGGGTGCTGCGCATTCAGCACGGCCGGGTGCGCCA-3'
Protein context (NP_116027.2, residues 21-41): HPDSHHPGLA[His31Leu]NYMEPAQLLP